The following is an entry in ClinVar:

ClinVar aggregate classification (germline): Pathogenic (1 of 4 stars; one submission).

Conditions:
T-B+ severe combined immunodeficiency due to JAK3 deficiency. Also called: SCID, autosomal recessive, T-negative/B-positive type; SCID, T CELL-NEGATIVE, B CELL-POSITIVE, NK CELL-NEGATIVE. Identifiers: Orphanet 35078, MedGen C1833275, MONDO:0010938, OMIM 600802.

Submission:

Labcorp Genetics (formerly Invitae), Labcorp
Classification: Pathogenic for T-B+ severe combined immunodeficiency due to JAK3 deficiency. Last evaluated: 2025-02-09. Review status: criteria provided, single submitter. Criteria: Invitae Variant Classification Sherloc (09022015). Collection method: clinical testing. Allele origin: germline.
Comment: This sequence change replaces glycine, which is neutral and non-polar, with valine, which is neutral and non-polar, at codon 397 of the JAK3 protein (p.Gly397Val). This variant is not present in population databases (gnomAD no frequency). This missense change has been observed in individual(s) with JAK3-related conditions (internal data). In at least one individual the data is consistent with being in trans (on the opposite chromosome) from a pathogenic variant. Invitae Evidence Modeling of protein sequence and biophysical properties (such as structural, functional, and spatial information, amino acid conservation, physicochemical variation, residue mobility, and thermodynamic stability) indicates that this missense variant is expected to disrupt JAK3 protein function with a positive predictive value of 95%. For these reasons, this variant has been classified as Pathogenic.

NM_000215.4(JAK3):c.1190G>T (p.Gly397Val)

Gene: JAK3 (Janus kinase 3; minus strand). Cytogenetic location: 19p13.11.
Variant type: single nucleotide variant.
Coding change: c.1190G>T on transcript NM_000215.4 (MANE Select); coding-DNA position 1190, G replaced by T.
Protein change: p.Gly397Val; replaces glycine 397 with valine.
Molecular consequence: missense variant.
Genome position (GRCh38, 1-based): chr19:17,840,294, C>A on the plus strand (G>T on the coding strand, the complement: JAK3 is on the minus strand). VCF-style: chr19-17840294-C-A. GRCh37 (hg19) VCF-style: chr19-17951103-C-A.
Other names: c.1190G>T, p.Gly397Val (NM_001440439.1); short protein forms G397V.
Identifiers: ClinVar variation 4808482 (VCV004808482.1).
Genomic context (GRCh38, chr19:17,840,294, plus strand): 5'-ACACAGACAGTGAGGAGGAAGCTGTCAAAGTCCTGGGGGCTGCGGCGGAGAACATAGGAG[C>A]CAGGACGTGAGCCCCCAGTCTTGAGCTTGTTGATGGCAAAGTCCAGACTGTGGGGGAAGG-3'
Protein context (NP_000206.2, residues 387-407): NKLKTGGSRP[Gly397Val]SYVLRRSPQD